The following is an entry in ClinVar:

NM_138425.4(C12orf57):c.31T>A (p.Leu11Met)

Gene: C12orf57 (chromosome 12 open reading frame 57; plus strand). Cytogenetic location: 12p13.31.
Variant type: single nucleotide variant.
Coding change: c.31T>A on transcript NM_138425.4 (MANE Select); coding-DNA position 31, T replaced by A.
Protein change: p.Leu11Met; replaces leucine 11 with methionine.
Molecular consequence: missense variant. On other transcripts: 5 prime UTR variant (1), non-coding transcript variant (1), intron variant (1).
Genome position (GRCh38, 1-based): chr12:6,944,152, T>A. VCF-style: chr12-6944152-T-A. GRCh37 (hg19) VCF-style: chr12-7053315-T-A.
Other names: c.31T>A, p.Leu11Met (NM_001301834.1, NM_001301837.2); c.-171T>A (NM_001301838.2); c.14-324T>A (NM_001301836.2); short protein forms L11M.
Identifiers: ClinVar variation 2097947 (VCV002097947.1), dbSNP rs781983331, ClinGen allele CA383744184.

ClinVar aggregate classification (germline): Uncertain significance (1 of 4 stars; one submission).

Conditions:
Temtamy syndrome (TEMTYS). Also called: MENTAL RETARDATION WITH OR WITHOUT CRANIOFACIAL DYSMORPHISM, OCULAR COLOBOMA, OR ABNORMAL CORPUS CALLOSUM. Identifiers: Orphanet 1777, MedGen C1857512, MONDO:0009033, OMIM 218340.

gnomAD v4.1: 1 of 1,614,238 alleles (0.000062%); highest among the groups gnomAD compares: Non-Finnish European, 0.000085%; no homozygotes.

Submission:

Labcorp Genetics (formerly Invitae), Labcorp
Classification: Uncertain significance for Temtamy syndrome. Last evaluated: 2022-08-07. Review status: criteria provided, single submitter. Criteria: Invitae Variant Classification Sherloc (09022015). Collection method: clinical testing. Allele origin: germline.
Comment: This sequence change replaces leucine, which is neutral and non-polar, with methionine, which is neutral and non-polar, at codon 11 of the C12orf57 protein (p.Leu11Met). This variant is not present in population databases (gnomAD no frequency). This variant has not been reported in the literature in individuals affected with C12orf57-related conditions. Algorithms developed to predict the effect of missense changes on protein structure and function are either unavailable or do not agree on the potential impact of this missense change (SIFT: "Deleterious"; PolyPhen-2: "Possibly Damaging"; Align-GVGD: "Class C0"). In summary, the available evidence is currently insufficient to determine the role of this variant in disease. Therefore, it has been classified as a Variant of Uncertain Significance.